The following is an entry in ClinVar:

ClinVar aggregate classification (germline): Likely benign. Review status: criteria provided, multiple submitters, no conflicts (2 of 4 stars). 2 submissions from 2 submitters: Likely benign (2). Last evaluated 2025-07-13.

Conditions:
Long QT syndrome (LQTS). Identifiers: MedGen C0023976, MeSH D008133, MONDO:0002442. Disease mechanism: loss of function. Inheritance: Various modes of inheritance.

Allele frequency attached by ClinVar (database versions not stated): gnomAD exomes below 0.00001 and 0.00001; ExAC 0.00001; TOPMed 0.00004.
gnomAD v4.1: 16 of 1,570,536 alleles (0.001%); highest among the groups gnomAD compares: African/African-American, 0.0027%; no homozygotes.

Submissions (2):

Labcorp Genetics (formerly Invitae), Labcorp
Classification: Likely benign for Long QT syndrome. Last evaluated: 2025-07-13. Review status: criteria provided, single submitter. Criteria: Invitae Variant Classification Sherloc (09022015). Collection method: clinical testing. Allele origin: germline.

GeneDx
Classification: Likely benign. Last evaluated: 2018-01-11. Review status: criteria provided, single submitter. Criteria: GeneDx Variant Classification (06012015). Collection method: clinical testing. Allele origin: germline. Affected: yes.
Comment: This variant is considered likely benign or benign based on one or more of the following criteria: it is a conservative change, it occurs at a poorly conserved position in the protein, it is predicted to be benign by multiple in silico algorithms, and/or has population frequency not consistent with disease.

NM_000719.7(CACNA1C):c.757+14G>A

Gene: CACNA1C (calcium voltage-gated channel subunit alpha1 C; plus strand). Cytogenetic location: 12p13.33.
Variant type: single nucleotide variant.
Coding change: c.757+14G>A on transcript NM_000719.7 (MANE Select); 14 bases into the intron after coding-DNA position 757, G replaced by A.
Molecular consequence: intron variant.
Genome position (GRCh38, 1-based): chr12:2,457,720, G>A. VCF-style: chr12-2457720-G-A. GRCh37 (hg19) VCF-style: chr12-2566886-G-A.
Other names: c.757+14G>A (NM_001167624.3, NM_001167623.2, NM_001167625.2 and 19 more transcripts).
Identifiers: ClinVar variation 514546 (VCV000514546.4), dbSNP rs753042094, ClinGen allele CA6388516.